The following is an entry in ClinVar:

ClinVar aggregate classification (germline): Uncertain significance. Review status: criteria provided, multiple submitters, no conflicts (2 of 4 stars). 2 submissions from 2 submitters: Uncertain significance (2). Last evaluated 2024-12-10.

Conditions:
Inborn genetic diseases. Identifiers: MedGen C0950123, MeSH D030342.

Allele frequency attached by ClinVar (database versions not stated): ExAC 0.00001; gnomAD 0.00001; gnomAD exomes 0.00001 and 0.00003; TOPMed 0.00002.
gnomAD v4.1: 42 of 1,609,478 alleles (0.0026%); highest among the groups gnomAD compares: Non-Finnish European, 0.0036%; no homozygotes.

Submissions (2):

Ambry Genetics
Classification: Uncertain significance for Inborn genetic diseases. Last evaluated: 2024-12-10. Review status: criteria provided, single submitter. Criteria: Ambry Variant Classification Scheme 2023. Collection method: clinical testing. Allele origin: germline.

Labcorp Genetics (formerly Invitae), Labcorp
Classification: Uncertain significance. Last evaluated: 2021-05-08. Review status: criteria provided, single submitter. Criteria: Invitae Variant Classification Sherloc (09022015). Collection method: clinical testing. Allele origin: germline.
Comment: In summary, the available evidence is currently insufficient to determine the role of this variant in disease. Therefore, it has been classified as a Variant of Uncertain Significance. Algorithms developed to predict the effect of missense changes on protein structure and function are either unavailable or do not agree on the potential impact of this missense change (SIFT: "Deleterious"; PolyPhen-2: "Probably Damaging"; Align-GVGD: "Class C0"). This variant has not been reported in the literature in individuals with OBSL1-related conditions. This variant is present in population databases (rs765875181, ExAC 0.002%). This sequence change replaces proline with threonine at codon 517 of the OBSL1 protein (p.Pro517Thr). The proline residue is highly conserved and there is a small physicochemical difference between proline and threonine.

NM_015311.3(OBSL1):c.1549C>A (p.Pro517Thr)

Gene: OBSL1 (obscurin like cytoskeletal adaptor 1; minus strand). Cytogenetic location: 2q35.
Variant type: single nucleotide variant.
Coding change: c.1549C>A on transcript NM_015311.3 (MANE Select); coding-DNA position 1549, C replaced by A.
Protein change: p.Pro517Thr; replaces proline 517 with threonine.
Molecular consequence: missense variant.
Genome position (GRCh38, 1-based): chr2:219,567,561, G>T on the plus strand (C>A on the coding strand, the complement: OBSL1 is on the minus strand). VCF-style: chr2-219567561-G-T. GRCh37 (hg19) VCF-style: chr2-220432283-G-T.
Other names: c.1549C>A, p.Pro517Thr (NM_001173408.2, NM_001173431.2); c.1549C>A (NM_015311.2); short protein forms P517T.
Identifiers: ClinVar variation 1347843 (VCV001347843.9), dbSNP rs765875181, ClinGen allele CA2131491.
Genomic context (GRCh38, chr2:219,567,561, plus strand): 5'-TCAACAGGACCGTGTTCTTGTGGCCCTTGAACATCTCTGCCAATATGGGGGGTCCTGGGG[G>T]ACTGTGCTTGACACCTGAGACCAAGGCAGGGATGTGTTCCGGCCTTGCTTGGGCCTCCAC-3'
Protein context (NP_056126.1, residues 507-527): LLRVKCVKHS[Pro517Thr]PGPPILAEMF